The following is an entry in ClinVar:

ClinVar aggregate classification (germline): Uncertain significance (1 of 4 stars; one submission).

Submission:

Greenwood Genetic Center Diagnostic Laboratories, Greenwood Genetic Center
Classification: Uncertain significance. Last evaluated: 2023-07-07. Review status: criteria provided, single submitter. Criteria: ACMG Guidelines, 2015. Collection method: clinical testing. Allele origin: germline. Affected: yes.
Comment: PM2

NM_015100.4(POGZ):c.2931G>A (p.Lys977=)

Gene: POGZ (pogo transposable element derived with ZNF domain; minus strand). Cytogenetic location: 1q21.3.
Variant type: single nucleotide variant.
Coding change: c.2931G>A on transcript NM_015100.4 (MANE Select); coding-DNA position 2931, G replaced by A.
Protein change: p.Lys977=; no amino-acid change (lysine 977 retained).
Molecular consequence: synonymous variant.
Genome position (GRCh38, 1-based): chr1:151,406,104, C>T on the plus strand (G>A on the coding strand, the complement: POGZ is on the minus strand). VCF-style: chr1-151406104-C-T. GRCh37 (hg19) VCF-style: chr1-151378580-C-T.
Other names: c.2904G>A, p.Lys968= (NM_001194937.2); c.2745G>A, p.Lys915= (NM_001194938.2); c.2952G>A, p.Lys984= (NM_001410860.1); c.2646G>A, p.Lys882= (NM_145796.4); c.2772G>A, p.Lys924= (NM_207171.2).
Identifiers: ClinVar variation 2626934 (VCV002626934.1), dbSNP rs2529207992, ClinGen allele CA420909915.
Genomic context (GRCh38, chr1:151,406,104, plus strand): 5'-TCGGAAGTGTTCAGCTGCCTGTTCTGTATTGCAGCATAGAGCAAACAGTACTACTCGAAG[C>T]TTCTTCACAGACAGCTGCTCCTTTTTGCCAACTCCACCACTACCACCACCACCTGATGCT-3'
Protein context (NP_055915.2, residues 967-987): VGKKEQLSVK[Lys977=]LRVVLFALCC